The following is an entry in ClinVar:

NM_138713.4(NFAT5):c.3046_3048del (p.Lys1016del)

Gene: NFAT5 (nuclear factor of activated T cells 5; plus strand). Cytogenetic location: 16q22.1.
Variant type: Deletion.
Coding change: c.3046_3048del on transcript NM_138713.4 (MANE Select); coding-DNA positions 3046 to 3048, 3 bases deleted (AAA; older notation c.3046_3048delAAA).
Protein change: p.Lys1016del; deletes lysine 1016.
Molecular consequence: inframe deletion.
Genome position (GRCh38, 1-based): chr16:69,692,871-69,692,873, AAA deleted; deleting any 3 consecutive bases within chr16:69,692,870-69,692,873 gives the same sequence; the c. name uses the placement nearest the transcript's 3' end. VCF-style (leftmost placement, unchanged base first): chr16-69692869-CAAA-C. GRCh37 (hg19) VCF-style: chr16-69726772-CAAA-C.
Other names: c.3043_3045del, p.Lys1015del (NM_001113178.3); c.2371_2373del, p.Lys791del (NM_001367709.1); c.2992_2994del, p.Lys998del (NM_006599.4); c.2764_2766del, p.Lys922del (NM_138714.4, NM_173214.3, NM_173215.3); short protein forms K1016del, K791del, K998del, K1015del, K922del.
Identifiers: ClinVar variation 946721 (VCV000946721.9), dbSNP rs776838710, ClinGen allele CA8135840.

ClinVar aggregate classification (germline): Uncertain significance (1 of 4 stars; one submission).

Conditions:
Immunodeficiency. Identifiers: MedGen C0021051, MONDO:0021094, HP:0002721.

Submission:

Labcorp Genetics (formerly Invitae), Labcorp
Classification: Uncertain significance for Immunodeficiency. Last evaluated: 2025-12-08. Review status: criteria provided, single submitter. Criteria: Invitae Variant Classification Sherloc (09022015). Collection method: clinical testing. Allele origin: germline.
Comment: This variant, c.2764_2766del, results in the deletion of 1 amino acid(s) of the NFAT5 protein (p.Lys922del), but otherwise preserves the integrity of the reading frame. This variant is present in population databases (rs776838710, gnomAD 0.002%). This variant has not been reported in the literature in individuals affected with NFAT5-related conditions. ClinVar contains an entry for this variant (Variation ID: 946721). Experimental studies and prediction algorithms are not available or were not evaluated, and the functional significance of this variant is currently unknown. In summary, the available evidence is currently insufficient to determine the role of this variant in disease. Therefore, it has been classified as a Variant of Uncertain Significance.